The following is an entry in ClinVar:

ClinVar aggregate classification (germline): Uncertain significance. Review status: criteria provided, multiple submitters, no conflicts (2 of 4 stars). 2 submissions from 2 submitters: Uncertain significance (2). Last evaluated 2023-05-20.

Conditions:
Global developmental delay with speech and behavioral abnormalities. Identifiers: MedGen C5543226, MONDO:0030995, OMIM 619243.

Allele frequency attached by ClinVar (database versions not stated): gnomAD 0.00001; TOPMed 0.00001.
gnomAD v4.1: 11 of 1,613,862 alleles (0.00068%); highest among the groups gnomAD compares: Admixed American, 0.0033%; no homozygotes.

Submissions (2):

Neuberg Centre For Genomic Medicine, NCGM
Classification: Uncertain significance for Global developmental delay with speech and behavioral abnormalities. Last evaluated: 2023-05-20. Review status: criteria provided, single submitter. Criteria: ACMG Guidelines, 2015. Collection method: clinical testing. Allele origin: germline. Inheritance: Autosomal dominant inheritance. Affected: yes.
Comment: The observed missense c.2489C>T(p.Pro830Leu) variant in TNRC6B gene has not been reported previously as a pathogenic variant nor as a benign variant, to our knowledge. This variant is absent in gnomAD Exomes. This variant has been reported to the ClinVar database as Uncertain Significance. However, no details are available for independent assessment. The amino acid Pro at position 830 is changed to a Leu changing protein sequence and it might alter its composition and physico-chemical properties. The amino acid change p.Pro830Leu in TNRC6B is predicted as conserved by GERP++ and PhyloP across 100 vertebrates. Computational evidence (Polyphen - Possibly Damaging and Benign, SIFT - Tolerated, and MutationTaster - Disease causing) predicts conflicting evidence on protein structure and function for this variant. For these reasons, this variant has been classified as Uncertain Significance.

New York Genome Center
Classification: Uncertain significance for Global developmental delay with speech and behavioral abnormalities. Last evaluated: 2021-05-21. Review status: criteria provided, single submitter. Criteria: NYGC Assertion Criteria 2020. Collection method: clinical testing. Allele origin: germline. Observed: 1 heterozygote. Study: CSER-NYCKidSeq.
Comment: The c.2489C>T (p.Pro830Leu) variant identified in the TNRC6B gene substitutes a well conserved Proline for Leucine at amino acid 830/1834 (exon5/23). This variant is found with low frequency in gnomAD(v3.1.1)(1 heterozygote, 0 homozygotes; allele frequency:6.57e-6) suggesting it is not a common benign variant in the populations represented in that database. In silico algorithms predict this variant to be Tolerated (SIFT; score:0.013) and Benign (REVEL; score:0.1049) to the function of the canonical transcript. This variant is absent from ClinVar and to our current knowledge has not been reported in affected individuals in the literature. The p.Pro830 residue is not within a mapped domain of the protein, but is within a Proline-rich region of TNRC6B (UniProtKB:Q9UPQ9). Given the lack of compelling evidence for its pathogenicity, the c.2489C>T (p.Pro830Leu) variant identified in the TNRC6B gene is reported as a Variant of Uncertain Significance.

NM_001162501.2(TNRC6B):c.2489C>T (p.Pro830Leu)

Gene: TNRC6B (trinucleotide repeat containing adaptor 6B; plus strand). Cytogenetic location: 22q13.1.
Variant type: single nucleotide variant.
Coding change: c.2489C>T on transcript NM_001162501.2 (MANE Select); coding-DNA position 2489, C replaced by T.
Protein change: p.Pro830Leu; replaces proline 830 with leucine.
Molecular consequence: missense variant. On other transcripts: intron variant (1).
Genome position (GRCh38, 1-based): chr22:40,266,719, C>T. VCF-style: chr22-40266719-C-T. GRCh37 (hg19) VCF-style: chr22-40662723-C-T.
Other names: c.2489C>T, p.Pro830Leu (NM_015088.3); c.566-3403C>T (NM_001024843.2); short protein forms P830L.
Identifiers: ClinVar variation 1696487 (VCV001696487.2), dbSNP rs2070486434, ClinGen allele CA411636617.